The following is an entry in ClinVar:

NM_207122.2(EXT2):c.939+1G>T

Gene: EXT2 (exostosin glycosyltransferase 2; plus strand). Cytogenetic location: 11p11.2.
Variant type: single nucleotide variant.
Coding change: c.939+1G>T on transcript NM_207122.2 (MANE Select); the canonical splice donor site of the intron after coding-DNA position 939, G replaced by T.
Molecular consequence: splice donor variant.
Genome position (GRCh38, 1-based): chr11:44,124,985, G>T. VCF-style: chr11-44124985-G-T. GRCh37 (hg19) VCF-style: chr11-44146535-G-T.
Other names: c.939+1G>T (NM_001389630.1, NM_001178083.3, NM_001389628.1); c.1038+1G>T (NM_000401.3).
Identifiers: ClinVar variation 2735580 (VCV002735580.3), dbSNP rs2539563601, ClinGen allele CA380168742.

ClinVar aggregate classification (germline): Pathogenic. Review status: criteria provided, multiple submitters, no conflicts (2 of 4 stars). 2 submissions from 2 submitters: Pathogenic (2). Last evaluated 2024-02-02.

Conditions:
Exostoses, multiple, type 2 (EXT2). Also called: Hereditary Multiple Osteochondromatosis, Type II; EXOSTOSES, MULTIPLE, TYPE II. Identifiers: Orphanet 321, MedGen C1851413, MONDO:0007586, OMIM 133701.

Submissions (2):

Labcorp Genetics (formerly Invitae), Labcorp
Classification: Pathogenic for Exostoses, multiple, type 2. Last evaluated: 2024-02-02. Review status: criteria provided, single submitter. Criteria: Invitae Variant Classification Sherloc (09022015). Collection method: clinical testing. Allele origin: germline.
Comment: This sequence change affects a donor splice site in intron 5 of the EXT2 gene. RNA analysis indicates that disruption of this splice site induces altered splicing and may result in an absent or disrupted protein product. This variant is not present in population databases (gnomAD no frequency). Disruption of this splice site has been observed in individual(s) with multiple osteochondromas (PMID: 27748933). It has also been observed to segregate with disease in related individuals. Studies have shown that disruption of this splice site results in skipping of exon 5 and introduces a premature termination codon (PMID: 27748933). The resulting mRNA is expected to undergo nonsense-mediated decay. For these reasons, this variant has been classified as Pathogenic.

Clinical Biomedical Laboratory, Shriners Hospital For Children - Canada
Classification: Pathogenic for Exostoses, multiple, type 2. Review status: criteria provided, single submitter. Criteria: ACMG Guidelines, 2015. Collection method: clinical testing. Allele origin: germline. Affected: yes.
Comment: This variant is predicted to affect a canonical splice site in EXT2. This variant is expected to disrupt RNA splicing and lead to loss of function of the affected allele. This variant is absent the Genome Aggregation Database (v2.1.1), indicating it is very rare. This variant has been reported in the literature (PMID 27748933). Based on the ACMG variant interpretation guidelines (criteria: PVS1, PM2, PP4), the available evidence supports classification of this variant as pathogenic.

Literature cited by the submitters: PubMed 27748933 (cited by Labcorp Genetics (formerly Invitae), Labcorp).